The following is an entry in ClinVar:

ClinVar aggregate classification (germline): Uncertain significance. Review status: criteria provided, multiple submitters, no conflicts (2 of 4 stars). 3 submissions from 3 submitters: Uncertain significance (3). Last evaluated 2026-03-04.

Conditions:
TTLL5-related disorder. Also called: TTLL5-related condition.

gnomAD v4.1: 7 of 1,607,218 alleles (0.00044%); highest among the groups gnomAD compares: Admixed American, 0.0034%; no homozygotes.

Submissions (3):

PreventionGenetics, part of Exact Sciences
Classification: Uncertain significance for TTLL5-related condition. Last evaluated: 2026-03-04. Review status: criteria provided, single submitter. Criteria: ACMG Guidelines, 2015. Collection method: clinical testing. Allele origin: germline.
Comment: The TTLL5 c.586-4A>G variant is predicted to interfere with splicing. This variant is predicted to alter splicing based on available splicing prediction programs (SpliceAI, Jaganathan et al. 2019. PubMed ID: 30661751). However, the use of computer prediction programs is not equivalent to functional evidence. To our knowledge, this variant has not been reported in the literature. This variant is reported in 0.0059% of alleles in individuals of Latino descent in gnomAD. At this time, the clinical significance of this variant is uncertain due to the absence of conclusive functional and genetic evidence.

Labcorp Genetics (formerly Invitae), Labcorp
Classification: Uncertain significance. Last evaluated: 2024-09-19. Review status: criteria provided, single submitter. Criteria: Invitae Variant Classification Sherloc (09022015). Collection method: clinical testing. Allele origin: germline.
Comment: This sequence change falls in intron 7 of the TTLL5 gene. It does not directly change the encoded amino acid sequence of the TTLL5 protein. This variant is present in population databases (rs776201515, gnomAD 0.006%). This variant has not been reported in the literature in individuals affected with TTLL5-related conditions. Algorithms developed to predict the effect of sequence changes on RNA splicing suggest that this variant may disrupt the consensus splice site. In summary, the available evidence is currently insufficient to determine the role of this variant in disease. Therefore, it has been classified as a Variant of Uncertain Significance.

Blueprint Genetics
Classification: Uncertain significance. Last evaluated: 2024-07-09. Review status: criteria provided, single submitter. Criteria: ACMG Guidelines, 2015. Collection method: clinical testing. Allele origin: germline.

NM_015072.5(TTLL5):c.586-4A>G

Gene: TTLL5 (tubulin tyrosine ligase like 5; plus strand). Cytogenetic location: 14q24.3.
Variant type: single nucleotide variant.
Coding change: c.586-4A>G on transcript NM_015072.5 (MANE Select); 4 bases into the intron before coding-DNA position 586, A replaced by G.
Molecular consequence: intron variant.
Genome position (GRCh38, 1-based): chr14:75,707,014, A>G. VCF-style: chr14-75707014-A-G. GRCh37 (hg19) VCF-style: chr14-76173357-A-G.
Other names: c.586-4A>G (NM_015072.4).
Identifiers: ClinVar variation 3641720 (VCV003641720.4).
Genomic context (GRCh38, chr14:75,707,014, plus strand): 5'-CCCTTATTGTAAATTAGGATTCCTGTGTATTTCTATTCTTTCATTCTTTCTCTTTACTCA[A>G]TAGCCAAACCAGATCTCCCTGGAAGAGAACATTTTGGTCTCCCGTTACATTAACAACCCC-3'